The following is an entry in ClinVar:

ClinVar aggregate classification (germline): Uncertain significance. Review status: criteria provided, multiple submitters, no conflicts (2 of 4 stars). 2 submissions from 2 submitters: Uncertain significance (2). Last evaluated 2023-11-03.

Conditions:
Endometrial carcinoma. Also called: Endometrial carcinoma, somatic. Identifiers: MedGen C0476089, MONDO:0002447, OMIM 608089, HP:0012114.
Colorectal cancer. Also called: Colorectal cancer, somatic; Malignant Colorectal Neoplasm. Identifiers: MedGen C0346629, MONDO:0005575, OMIM 114500.
Colorectal cancer, hereditary nonpolyposis, type 7. Identifiers: Orphanet 144, MedGen C1858380, MONDO:0013725, OMIM 614385.

Submissions (2):

Ambry Genetics
Classification: Uncertain significance. Last evaluated: 2023-11-03. Review status: criteria provided, single submitter. Criteria: Ambry Variant Classification Scheme 2023. Collection method: clinical testing. Allele origin: germline.
Comment: The p.P1148L variant (also known as c.3443C>T), located in coding exon 3 of the MLH3 gene, results from a C to T substitution at nucleotide position 3443. The proline at codon 1148 is replaced by leucine, an amino acid with similar properties. This amino acid position is conserved. In addition, this alteration is predicted to be deleterious by in silico analysis. Since supporting evidence is limited at this time, the clinical significance of this alteration remains unclear.

Department of Pathology and Laboratory Medicine, Sinai Health System
Classification: Uncertain significance for Colorectal cancer; Endometrial carcinoma; Colorectal cancer, hereditary nonpolyposis, type 7. Last evaluated: 2022-07-04. Review status: criteria provided, single submitter. Criteria: ACMG Guidelines, 2015. Collection method: clinical testing. Allele origin: germline. Affected: yes.

NM_001040108.2(MLH3):c.3443C>T (p.Pro1148Leu)

Gene: MLH3 (mutL homolog 3; minus strand). Cytogenetic location: 14q24.3.
Variant type: single nucleotide variant.
Coding change: c.3443C>T on transcript NM_001040108.2 (MANE Select); coding-DNA position 3443, C replaced by T.
Protein change: p.Pro1148Leu; replaces proline 1148 with leucine.
Molecular consequence: missense variant.
Genome position (GRCh38, 1-based): chr14:75,041,637, G>A on the plus strand (C>T on the coding strand, the complement: MLH3 is on the minus strand). VCF-style: chr14-75041637-G-A. GRCh37 (hg19) VCF-style: chr14-75508340-G-A.
Other names: c.3443C>T, p.Pro1148Leu (NM_014381.3); short protein forms P1148L.
Identifiers: ClinVar variation 3232543 (VCV003232543.2), dbSNP rs2139493159, ClinGen allele CA390430568.